The following is an entry in ClinVar:

NM_000558.5(HBA1):c.255C>A (p.Ser85Arg)

Genes: HBA1 (hemoglobin subunit alpha 1; plus strand), LOC106804613 (hemoglobin subunit alpha 1 recombination region; plus strand). Cytogenetic location: 16p13.3.
Variant type: single nucleotide variant.
Coding change: c.255C>A on transcript NM_000558.5 (MANE Select); coding-DNA position 255, C replaced by A.
Protein change: p.Ser85Arg; replaces serine 85 with arginine.
Molecular consequence: missense variant.
Genome position (GRCh38, 1-based): chr16:177,088, C>A. VCF-style: chr16-177088-C-A. GRCh37 (hg19) VCF-style: chr16-227087-C-A.
Other names: short protein forms S85R.
Identifiers: ClinVar variation 1679446 (VCV001679446.9), dbSNP rs33996798, ClinGen allele CA276416970.
Genomic context (GRCh38, chr16:177,088, plus strand): 5'-CGCGCTGACCAACGCCGTGGCGCACGTGGACGACATGCCCAACGCGCTGTCCGCCCTGAG[C>A]GACCTGCACGCGCACAAGCTTCGGGTGGACCCGGTCAACTTCAAGGTGAGCGGCGGGCCG-3'
Protein context (NP_000549.1, residues 75-95): DDMPNALSAL[Ser85Arg]DLHAHKLRVD

ClinVar aggregate classification (germline): Likely benign (1 of 4 stars; one submission).

Allele frequency attached by ClinVar (database versions not stated): TOPMed below 0.00001; gnomAD 0.00001.
gnomAD v4.1: 2 of 1,546,446 alleles (0.00013%); highest among the groups gnomAD compares: Non-Finnish European, 0.000087%; no homozygotes.

Submission:

ARUP Laboratories, Molecular Genetics and Genomics, ARUP Laboratories
Classification: Likely benign. Last evaluated: 2025-03-25. Review status: criteria provided, single submitter. Criteria: ARUP Molecular Germline Variant Investigation Process 2024. Collection method: clinical testing. Allele origin: germline.
Comment: The Hb Etobicoke variant (HBA1: c.255C>A; p.Ser85Arg, also known as Ser84Arg when numbered from the mature protein, rs33996798, HbVar ID: 128, ClinVar Variation ID: 1679446) is reported in the literature in the heterozygous state in individuals with no clinical phenotype (see link to HbVar and references therein, Silva 2012). This variant is absent from the Genome Aggregation Database (v2.1.1), indicating it is not a common polymorphism. Computational analyses predict that this variant is deleterious (REVEL: 0.720). Based on available information, this variant is considered to be likely benign. References: Link to HbVar database: Silva MR et al. Hb Etobicoke mutation in a hybrid HBA212 allele (HBA212 84 (F5) Ser>Arg; HBA212:c.255C>G). Ann Hematol. 2012 Dec;91(12):1971-4. PMID: 22638758.